The following is an entry in ClinVar:

NM_207346.3(TSEN54):c.587G>A (p.Gly196Glu)

Gene: TSEN54 (tRNA splicing endonuclease subunit 54; plus strand). Cytogenetic location: 17q25.1.
Variant type: single nucleotide variant.
Coding change: c.587G>A on transcript NM_207346.3 (MANE Select); coding-DNA position 587, G replaced by A.
Protein change: p.Gly196Glu; replaces glycine 196 with glutamic acid.
Molecular consequence: missense variant.
Genome position (GRCh38, 1-based): chr17:75,521,474, G>A. VCF-style: chr17-75521474-G-A. GRCh37 (hg19) VCF-style: chr17-73517555-G-A.
Other names: short protein forms G196E.
Identifiers: ClinVar variation 1487210 (VCV001487210.5), dbSNP rs377382148, ClinGen allele CA8764207.

ClinVar aggregate classification (germline): Uncertain significance (1 of 4 stars; one submission).

Allele frequency attached by ClinVar (database versions not stated): ExAC 0.00002; gnomAD exomes 0.00002 and 0.00003; gnomAD 0.00003; TOPMed 0.00003; ESP Exome Variant Server 0.00008.

Submission:

Labcorp Genetics (formerly Invitae), Labcorp
Classification: Uncertain significance. Last evaluated: 2022-06-27. Review status: criteria provided, single submitter. Criteria: Invitae Variant Classification Sherloc (09022015). Collection method: clinical testing. Allele origin: germline.
Comment: This sequence change replaces glycine, which is neutral and non-polar, with glutamic acid, which is acidic and polar, at codon 196 of the TSEN54 protein (p.Gly196Glu). This variant is present in population databases (rs377382148, gnomAD 0.007%). This variant has not been reported in the literature in individuals affected with TSEN54-related conditions. Algorithms developed to predict the effect of missense changes on protein structure and function (SIFT, PolyPhen-2, Align-GVGD) all suggest that this variant is likely to be tolerated. In summary, the available evidence is currently insufficient to determine the role of this variant in disease. Therefore, it has been classified as a Variant of Uncertain Significance.